The following is an entry in ClinVar:

ClinVar aggregate classification (germline): Uncertain significance (1 of 4 stars; one submission).

Conditions:
Periodic fever-infantile enterocolitis-autoinflammatory syndrome. Also called: Autoinflammation with infantile enterocolitis. Identifiers: Orphanet 436166, MedGen C4015067, MONDO:0014472, OMIM 616050.
Familial cold autoinflammatory syndrome 4 (FCAS4). Identifiers: Orphanet 47045, Orphanet 576349, MedGen C4015276, MONDO:0014498, OMIM 616115.

Submission:

Labcorp Genetics (formerly Invitae), Labcorp
Classification: Uncertain significance for Periodic fever-infantile enterocolitis-autoinflammatory syndrome; Familial cold autoinflammatory syndrome 4. Last evaluated: 2023-01-01. Review status: criteria provided, single submitter. Criteria: Invitae Variant Classification Sherloc (09022015). Collection method: clinical testing. Allele origin: germline.
Comment: In summary, the available evidence is currently insufficient to determine the role of this variant in disease. Therefore, it has been classified as a Variant of Uncertain Significance. Advanced modeling of protein sequence and biophysical properties (such as structural, functional, and spatial information, amino acid conservation, physicochemical variation, residue mobility, and thermodynamic stability) performed at Invitae indicates that this missense variant is not expected to disrupt NLRC4 protein function. This variant has not been reported in the literature in individuals affected with NLRC4-related conditions. This variant is not present in population databases (gnomAD no frequency). This sequence change replaces serine, which is neutral and polar, with arginine, which is basic and polar, at codon 163 of the NLRC4 protein (p.Ser163Arg).

NM_001199138.2(NLRC4):c.489C>G (p.Ser163Arg)

Gene: NLRC4 (NLR family CARD domain containing 4; minus strand). Cytogenetic location: 2p22.3.
Variant type: single nucleotide variant.
Coding change: c.489C>G on transcript NM_001199138.2 (MANE Select); coding-DNA position 489, C replaced by G.
Protein change: p.Ser163Arg; replaces serine 163 with arginine.
Molecular consequence: missense variant. On other transcripts: intron variant (1).
Genome position (GRCh38, 1-based): chr2:32,251,375, G>C on the plus strand (C>G on the coding strand, the complement: NLRC4 is on the minus strand). VCF-style: chr2-32251375-G-C. GRCh37 (hg19) VCF-style: chr2-32476444-G-C.
Other names: c.489C>G, p.Ser163Arg (NM_001199139.2, NM_021209.5); c.262+1044C>G (NM_001302504.1); short protein forms S163R.
Identifiers: ClinVar variation 2942897 (VCV002942897.3), dbSNP rs1415927391, ClinGen allele CA346515881.